The following is an entry in ClinVar:

NM_002439.5(MSH3):c.1348del (p.Asp450fs)

Gene: MSH3 (mutS homolog 3; plus strand). Cytogenetic location: 5q14.1.
Variant type: Deletion.
Coding change: c.1348del on transcript NM_002439.5 (MANE Select); coding-DNA position 1348, one base deleted (G; older notation c.1348delG).
Protein change: p.Asp450fs; shifts the reading frame from aspartic acid 450.
Molecular consequence: frameshift variant.
Genome position (GRCh38, 1-based): chr5:80,725,460, G deleted; the last of 2 consecutive G bases (chr5:80,725,459-80,725,460); deleting either gives the same sequence. VCF-style (leftmost placement, unchanged base first): chr5-80725458-AG-A. GRCh37 (hg19) VCF-style: chr5-80021277-AG-A.
Other names: short protein forms D450fs.
Identifiers: ClinVar variation 2673513 (VCV002673513.1), dbSNP rs2546752955, ClinGen allele CA2695198658.

ClinVar aggregate classification (germline): Pathogenic (1 of 4 stars; one submission).

Conditions:
Familial adenomatous polyposis 4 (FAP4). Also called: MSH3-related attenuated familial adenomatous polyposis. Identifiers: Orphanet 480536, MedGen C4310719, MONDO:0044300, OMIM 617100.

Submission:

Myriad Genetics, Inc.
Classification: Pathogenic for Familial adenomatous polyposis 4. Last evaluated: 2023-08-29. Review status: criteria provided, single submitter. Criteria: Myriad Autosomal Dominant, Autosomal Recessive and X-Linked Classification Criteria (2023). Collection method: clinical testing. Allele origin: unknown.
Comment: This variant is considered pathogenic. This variant creates a frameshift predicted to result in premature protein truncation.